The following is an entry in ClinVar:

ClinVar aggregate classification (germline): Uncertain significance. Review status: criteria provided, multiple submitters, no conflicts (2 of 4 stars). 3 submissions from 3 submitters: Uncertain significance (3). Last evaluated 2025-05-26.

Conditions:
Inborn genetic diseases. Identifiers: MedGen C0950123, MeSH D030342.
Hereditary spastic paraplegia 11. Also called: SPASTIC PARAPLEGIA, AUTOSOMAL RECESSIVE, COMPLICATED, WITH THIN CORPUS CALLOSUM; SPASTIC PARAPLEGIA, AUTOSOMAL RECESSIVE, WITH MENTAL IMPAIRMENT AND THIN CORPUS CALLOSUM; Spastic Paraplegia 11; Nakamura Osame syndrome; Autosomal recessive hereditary spastic paraplegia, mental impairment, and thin corpus callosum; Spastic paraplegia, mental retardation and thin corpus callosum. Identifiers: Orphanet 2822, MedGen C1858479, MONDO:0011445, OMIM 604360.

Allele frequency attached by ClinVar (database versions not stated): ExAC 0.00001; TOPMed 0.00002.

Submissions (3):

Ambry Genetics
Classification: Uncertain significance for Inborn genetic diseases. Last evaluated: 2025-05-26. Review status: criteria provided, single submitter. Criteria: Ambry Variant Classification Scheme 2023. Collection method: clinical testing. Allele origin: germline.

Labcorp Genetics (formerly Invitae), Labcorp
Classification: Uncertain significance for Hereditary spastic paraplegia 11. Last evaluated: 2022-07-08. Review status: criteria provided, single submitter. Criteria: Invitae Variant Classification Sherloc (09022015). Collection method: clinical testing. Allele origin: germline.
Comment: This sequence change replaces aspartic acid, which is acidic and polar, with asparagine, which is neutral and polar, at codon 144 of the SPG11 protein (p.Asp144Asn). The frequency data for this variant in the population databases is considered unreliable, as metrics indicate poor data quality at this position in the gnomAD database. This variant has not been reported in the literature in individuals affected with SPG11-related conditions. Algorithms developed to predict the effect of missense changes on protein structure and function output the following: SIFT: "Tolerated"; PolyPhen-2: "Probably Damaging"; Align-GVGD: "Class C0". The asparagine amino acid residue is found in multiple mammalian species, which suggests that this missense change does not adversely affect protein function. In summary, the available evidence is currently insufficient to determine the role of this variant in disease. Therefore, it has been classified as a Variant of Uncertain Significance.

Genetic Foundation of Khorasan Razavi (GFKR)
Classification: Uncertain significance for Hereditary spastic paraplegia 11. Last evaluated: 2021-12-03. Review status: criteria provided, single submitter. Criteria: ACMG Guidelines, 2015. Collection method: clinical testing. Allele origin: inherited. Affected: yes. Observed: 1 homozygote.
Comment: This variant is very rare in population databases

NM_025137.4(SPG11):c.430G>A (p.Asp144Asn)

Gene: SPG11 (SPG11 vesicle trafficking associated, spatacsin; minus strand). Cytogenetic location: 15q21.1.
Variant type: single nucleotide variant.
Coding change: c.430G>A on transcript NM_025137.4 (MANE Select); coding-DNA position 430, G replaced by A.
Protein change: p.Asp144Asn; replaces aspartic acid 144 with asparagine.
Molecular consequence: missense variant.
Genome position (GRCh38, 1-based): chr15:44,660,444, C>T on the plus strand (G>A on the coding strand, the complement: SPG11 is on the minus strand). VCF-style: chr15-44660444-C-T. GRCh37 (hg19) VCF-style: chr15-44952642-C-T.
Other names: c.430G>A (NM_025137.3); c.430G>A, p.Asp144Asn (NM_001160227.2, NM_001411132.1); short protein forms D144N.
Identifiers: ClinVar variation 2174160 (VCV002174160.3), dbSNP rs747312770, ClinGen allele CA7535849.
Genomic context (GRCh38, chr15:44,660,444, plus strand): 5'-TAATGTCACAAATTTAAATATGCTGAAAGACCACCTGTAGATACTTACTGATATCTTGAT[C>T]GTCAATGAGCTTTTGCAATGCCTCCCTACTACAGCTATACAAAATGGTTGCATCACATCT-3'
Protein context (NP_079413.3, residues 134-154): SREALQKLID[Asp144Asn]QDISISLLSL